The following is an entry in ClinVar:

NM_015909.4(NBAS):c.1892G>A (p.Gly631Asp)

Gene: NBAS (NBAS subunit of NRZ tethering complex; minus strand). Cytogenetic location: 2p24.3.
Variant type: single nucleotide variant.
Coding change: c.1892G>A on transcript NM_015909.4 (MANE Select); coding-DNA position 1892, G replaced by A.
Protein change: p.Gly631Asp; replaces glycine 631 with aspartic acid.
Molecular consequence: missense variant. On other transcripts: non-coding transcript variant (1).
Genome position (GRCh38, 1-based): chr2:15,467,790, C>T on the plus strand (G>A on the coding strand, the complement: NBAS is on the minus strand). VCF-style: chr2-15467790-C-T. GRCh37 (hg19) VCF-style: chr2-15607914-C-T.
Other names: short protein forms G631D.
Identifiers: ClinVar variation 1303784 (VCV001303784.2), dbSNP rs2148572986, ClinGen allele CA345883212.

ClinVar aggregate classification (germline): Uncertain significance (1 of 4 stars; one submission).

gnomAD v4.1: 1 of 1,590,594 alleles (0.000063%); highest among the groups gnomAD compares: Admixed American, 0.0017%; no homozygotes.

Submission:

GeneDx
Classification: Uncertain significance. Last evaluated: 2018-03-27. Review status: criteria provided, single submitter. Criteria: GeneDx Variant Classification Process June 2021. Collection method: clinical testing. Allele origin: germline. Affected: yes.
Comment: Not observed in large population cohorts (Lek et al., 2016; McVean et al., 2012; Exome Variant Server); In silico analysis, which includes protein predictors and evolutionary conservation, supports a deleterious effect; Has not been previously published as pathogenic or benign to our knowledge